The following is an entry in ClinVar:

ClinVar aggregate classification (germline): Likely pathogenic (1 of 4 stars; one submission).

Conditions:
Congenital hyperammonemia, type I. Also called: Carbamoyl phosphate synthetase I deficiency disease; Carbamoyl phosphate synthetase 1 deficiency; Hyperammonemia due to carbamoyl phosphate synthetase 1 deficiency; CPS 1 deficiency; Carbamyl phosphate synthetase (CPS) deficiency; Carbamoyl-phosphate synthase I deficiency. Identifiers: Orphanet 147, MedGen C4082171, MONDO:0009376, OMIM 237300.

Submission:

Myriad Genetics, Inc.
Classification: Likely pathogenic for Congenital hyperammonemia, type I. Last evaluated: 2019-12-29. Review status: criteria provided, single submitter. Criteria: Myriad Women's Health Autosomal Recessive and X-Linked Classification Criteria (2019). Collection method: clinical testing. Allele origin: unknown.
Comment: NM_001875.4(CPS1):c.2152A>T(R718*) is expected to be pathogenic in the context of carbamoylphosphate synthetase I deficiency. This variant is predicted to lead to an abnormal or absent protein product due to the creation of a premature termination codon in CPS1, a gene where loss-of-function variants are known to be pathogenic. Please note: this variant was assessed in the context of healthy population screening.

NM_001875.5(CPS1):c.2152A>T (p.Arg718Ter)

Gene: CPS1 (carbamoyl-phosphate synthase 1; plus strand). Cytogenetic location: 2q34.
Variant type: single nucleotide variant.
Coding change: c.2152A>T on transcript NM_001875.5 (MANE Select); coding-DNA position 2152, A replaced by T.
Protein change: p.Arg718Ter; replaces arginine 718 with a stop codon.
Molecular consequence: nonsense. On other transcripts: non-coding transcript variant (2).
Genome position (GRCh38, 1-based): chr2:210,606,901, A>T. VCF-style: chr2-210606901-A-T. GRCh37 (hg19) VCF-style: chr2-211471625-A-T.
Other names: c.2152A>T, p.Arg718Ter (NM_001122633.3, NM_001369257.1); c.2185A>T, p.Arg729Ter (NM_001369256.1); short protein forms R718*, R729*.
Identifiers: ClinVar variation 984189 (VCV000984189.3), dbSNP rs1698933356, ClinGen allele CA350439154.